The following is an entry in ClinVar:

NM_182931.3(KMT2E):c.5084A>G (p.His1695Arg)

Gene: KMT2E (lysine methyltransferase 2E (inactive); plus strand). Cytogenetic location: 7q22.3.
Variant type: single nucleotide variant.
Coding change: c.5084A>G on transcript NM_182931.3 (MANE Select); coding-DNA position 5084, A replaced by G.
Protein change: p.His1695Arg; replaces histidine 1695 with arginine.
Molecular consequence: missense variant.
Genome position (GRCh38, 1-based): chr7:105,112,840, A>G. VCF-style: chr7-105112840-A-G. GRCh37 (hg19) VCF-style: chr7-104753287-A-G.
Other names: c.4958A>G, p.His1653Arg (NM_001410908.1); c.5084A>G, p.His1695Arg (NM_018682.4); short protein forms H1695R, H1653R.
Identifiers: ClinVar variation 3535569 (VCV003535569.3).

ClinVar aggregate classification (germline): Uncertain significance. Review status: criteria provided, multiple submitters, no conflicts (2 of 4 stars). 2 submissions from 2 submitters: Uncertain significance (2). Last evaluated 2025-04-28.

Conditions:
Inborn genetic diseases. Identifiers: MedGen C0950123, MeSH D030342.

gnomAD v4.1: 20 of 1,149,750 alleles (0.0017%); highest among the groups gnomAD compares: Non-Finnish European, 0.0021%; no homozygotes.

Submissions (2):

Labcorp Genetics (formerly Invitae), Labcorp
Classification: Uncertain significance. Last evaluated: 2025-04-28. Review status: criteria provided, single submitter. Criteria: Invitae Variant Classification Sherloc (09022015). Collection method: clinical testing. Allele origin: germline.
Comment: This sequence change replaces histidine, which is basic and polar, with arginine, which is basic and polar, at codon 1695 of the KMT2E protein (p.His1695Arg). This variant is present in population databases (no rsID available, gnomAD 0.004%). This variant has not been reported in the literature in individuals affected with KMT2E-related conditions. ClinVar contains an entry for this variant (Variation ID: 3535569). An algorithm developed to predict the effect of missense changes on protein structure and function (PolyPhen-2) suggests that this variant is likely to be tolerated. In summary, the available evidence is currently insufficient to determine the role of this variant in disease. Therefore, it has been classified as a Variant of Uncertain Significance.

Ambry Genetics
Classification: Uncertain significance for Inborn genetic diseases. Last evaluated: 2024-11-20. Review status: criteria provided, single submitter. Criteria: Ambry Variant Classification Scheme 2023. Collection method: clinical testing. Allele origin: germline.